The following is an entry in ClinVar:

NM_015215.4(CAMTA1):c.4874A>G (p.Gln1625Arg)

Gene: CAMTA1 (calmodulin binding transcription activator 1; plus strand). Cytogenetic location: 1p36.23.
Variant type: single nucleotide variant.
Coding change: c.4874A>G on transcript NM_015215.4 (MANE Select); coding-DNA position 4874, A replaced by G.
Protein change: p.Gln1625Arg; replaces glutamine 1625 with arginine.
Molecular consequence: missense variant.
Genome position (GRCh38, 1-based): chr1:7,751,383, A>G. VCF-style: chr1-7751383-A-G. GRCh37 (hg19) VCF-style: chr1-7811443-A-G.
Other names: c.4874A>G (NM_015215.2); c.4784A>G, p.Gln1595Arg (NM_001349608.2); c.4556A>G, p.Gln1519Arg (NM_001349609.2, NM_001349610.2); c.4466A>G, p.Gln1489Arg (NM_001349612.2); c.2003A>G, p.Gln668Arg (NM_001349613.1); c.1967A>G, p.Gln656Arg (NM_001349614.1, NM_001349615.2, NM_001349616.2); c.1946A>G, p.Gln649Arg (NM_001349617.1, NM_001349618.2); c.1628A>G, p.Gln543Arg (NM_001349619.2, NM_001349620.1, NM_001349621.1 and 1 more transcripts); and 3 more; short protein forms Q1488R, Q1489R, Q1512R, Q1519R, Q1595R, Q1625R, Q536R, Q543R.
Identifiers: ClinVar variation 3612999 (VCV003612999.3).

ClinVar aggregate classification (germline): Uncertain significance. Review status: criteria provided, multiple submitters, no conflicts (2 of 4 stars). 2 submissions from 2 submitters: Uncertain significance (2). Last evaluated 2025-09-28.

Conditions:
Inborn genetic diseases. Identifiers: MedGen C0950123, MeSH D030342.

gnomAD v4.1: 3 of 1,592,984 alleles (0.00019%); highest among the groups gnomAD compares: Non-Finnish European, 0.00017%; no homozygotes.

Submissions (2):

Ambry Genetics
Classification: Uncertain significance for Inborn genetic diseases. Last evaluated: 2025-09-28. Review status: criteria provided, single submitter. Criteria: Ambry Variant Classification Scheme 2023. Collection method: clinical testing. Allele origin: germline.

Labcorp Genetics (formerly Invitae), Labcorp
Classification: Uncertain significance. Last evaluated: 2024-11-27. Review status: criteria provided, single submitter. Criteria: Invitae Variant Classification Sherloc (09022015). Collection method: clinical testing. Allele origin: germline.
Comment: This sequence change replaces glutamine, which is neutral and polar, with arginine, which is basic and polar, at codon 1625 of the CAMTA1 protein (p.Gln1625Arg). This variant is not present in population databases (gnomAD no frequency). This variant has not been reported in the literature in individuals affected with CAMTA1-related conditions. Invitae Evidence Modeling of protein sequence and biophysical properties (such as structural, functional, and spatial information, amino acid conservation, physicochemical variation, residue mobility, and thermodynamic stability) indicates that this missense variant is not expected to disrupt CAMTA1 protein function with a negative predictive value of 80%. In summary, the available evidence is currently insufficient to determine the role of this variant in disease. Therefore, it has been classified as a Variant of Uncertain Significance.